The following is an entry in ClinVar:

ClinVar aggregate classification (germline): Uncertain significance (1 of 4 stars; one submission).

Conditions:
T-B+ severe combined immunodeficiency due to JAK3 deficiency. Also called: SCID, autosomal recessive, T-negative/B-positive type; SCID, T CELL-NEGATIVE, B CELL-POSITIVE, NK CELL-NEGATIVE. Identifiers: Orphanet 35078, MedGen C1833275, MONDO:0010938, OMIM 600802.

Allele frequency attached by ClinVar (database versions not stated): TOPMed below 0.00001; ExAC 0.00001; gnomAD exomes 0.00001.
gnomAD v4.1: 7 of 1,612,168 alleles (0.00043%); highest among the groups gnomAD compares: South Asian, 0.0011%; no homozygotes.

Submission:

Labcorp Genetics (formerly Invitae), Labcorp
Classification: Uncertain significance for T-B+ severe combined immunodeficiency due to JAK3 deficiency. Last evaluated: 2020-06-09. Review status: criteria provided, single submitter. Criteria: Invitae Variant Classification Sherloc (09022015). Collection method: clinical testing. Allele origin: germline.
Comment: In summary, the available evidence is currently insufficient to determine the role of this variant in disease. Therefore, it has been classified as a Variant of Uncertain Significance. Algorithms developed to predict the effect of missense changes on protein structure and function are either unavailable or do not agree on the potential impact of this missense change (SIFT: "Deleterious"; PolyPhen-2: "Benign"; Align-GVGD: "Class C0"). This variant has not been reported in the literature in individuals with JAK3-related conditions. This variant is present in population databases (rs752820429, ExAC 0.01%). This sequence change replaces threonine with methionine at codon 21 of the JAK3 protein (p.Thr21Met). The threonine residue is weakly conserved and there is a moderate physicochemical difference between threonine and methionine.

NM_000215.4(JAK3):c.62C>T (p.Thr21Met)

Gene: JAK3 (Janus kinase 3; minus strand). Cytogenetic location: 19p13.11.
Variant type: single nucleotide variant.
Coding change: c.62C>T on transcript NM_000215.4 (MANE Select); coding-DNA position 62, C replaced by T.
Protein change: p.Thr21Met; replaces threonine 21 with methionine.
Molecular consequence: missense variant.
Genome position (GRCh38, 1-based): chr19:17,844,356, G>A on the plus strand (C>T on the coding strand, the complement: JAK3 is on the minus strand). VCF-style: chr19-17844356-G-A. GRCh37 (hg19) VCF-style: chr19-17955165-G-A.
Other names: short protein forms T21M.
Identifiers: ClinVar variation 1004560 (VCV001004560.7), dbSNP rs752820429, ClinGen allele CA9302277.